The following is an entry in ClinVar:

ClinVar aggregate classification (germline): Uncertain significance (1 of 4 stars; one submission).

Conditions:
Cardiovascular phenotype. Identifiers: MedGen CN230736.
Hereditary cancer-predisposing syndrome. Also called: Hereditary neoplastic syndrome; Neoplastic Syndromes, Hereditary; Tumor predisposition; Hereditary Cancer Syndrome. Identifiers: Orphanet 140162, MedGen C0027672, MeSH D009386, MONDO:0015356.

Submission:

Ambry Genetics
Classification: Uncertain significance for Cardiovascular phenotype; Hereditary cancer-predisposing syndrome. Last evaluated: 2025-08-20. Review status: criteria provided, single submitter. Criteria: Ambry Variant Classification Scheme 2023. Collection method: clinical testing. Allele origin: germline.
Comment: The p.N1759I variant (also known as c.5276A>T), located in coding exon 37 of the NF1 gene, results from an A to T substitution at nucleotide position 5276. The asparagine at codon 1759 is replaced by isoleucine, an amino acid with dissimilar properties. This amino acid position is conserved. In addition, the in silico prediction for this alteration is inconclusive. Based on the available evidence, the clinical significance of this variant remains unclear.

NM_001042492.3(NF1):c.5339A>T (p.Asn1780Ile)

Gene: NF1 (neurofibromin 1; plus strand). Cytogenetic location: 17q11.2.
Variant type: single nucleotide variant.
Coding change: c.5339A>T on transcript NM_001042492.3 (MANE Select); coding-DNA position 5339, A replaced by T.
Protein change: p.Asn1780Ile; replaces asparagine 1780 with isoleucine.
Molecular consequence: missense variant.
Genome position (GRCh38, 1-based): chr17:31,327,569, A>T. VCF-style: chr17-31327569-A-T. GRCh37 (hg19) VCF-style: chr17-29654587-A-T.
Other names: c.5276A>T, p.Asn1759Ile (NM_000267.4); short protein forms N1780I, N1759I.
Identifiers: ClinVar variation 4119153 (VCV004119153.1).